The following is an entry in ClinVar:

NM_005431.2(XRCC2):c.193T>C (p.Cys65Arg)

Gene: XRCC2 (X-ray repair cross complementing 2; minus strand). Cytogenetic location: 7q36.1.
Variant type: single nucleotide variant.
Coding change: c.193T>C on transcript NM_005431.2 (MANE Select); coding-DNA position 193, T replaced by C.
Protein change: p.Cys65Arg; replaces cysteine 65 with arginine.
Molecular consequence: missense variant.
Genome position (GRCh38, 1-based): chr7:152,649,292, A>G on the plus strand (T>C on the coding strand, the complement: XRCC2 is on the minus strand). VCF-style: chr7-152649292-A-G. GRCh37 (hg19) VCF-style: chr7-152346377-A-G.
Other names: c.193T>C (NM_005431.1); short protein forms C65R.
Identifiers: ClinVar variation 1354131 (VCV001354131.9), dbSNP rs1338476396, ClinGen allele CA370199230.

ClinVar aggregate classification (germline): Uncertain significance. Review status: criteria provided, multiple submitters, no conflicts (2 of 4 stars). 2 submissions from 2 submitters: Uncertain significance (2). Last evaluated 2024-04-22.

Conditions:
Hereditary cancer-predisposing syndrome. Also called: Neoplastic Syndromes, Hereditary; Tumor predisposition; Hereditary neoplastic syndrome; Hereditary Cancer Syndrome. Identifiers: Orphanet 140162, MedGen C0027672, MeSH D009386, MONDO:0015356.

Submissions (2):

Ambry Genetics
Classification: Uncertain significance for Hereditary cancer-predisposing syndrome. Last evaluated: 2024-04-22. Review status: criteria provided, single submitter. Criteria: Ambry Variant Classification Scheme 2023. Collection method: clinical testing. Allele origin: germline.
Comment: The p.C65R variant (also known as c.193T>C), located in coding exon 3 of the XRCC2 gene, results from a T to C substitution at nucleotide position 193. The cysteine at codon 65 is replaced by arginine, an amino acid with highly dissimilar properties. This amino acid position is conserved. In addition, this alteration is predicted to be deleterious by in silico analysis. Based on the available evidence, the clinical significance of this variant remains unclear.

Labcorp Genetics (formerly Invitae), Labcorp
Classification: Uncertain significance. Last evaluated: 2021-07-15. Review status: criteria provided, single submitter. Criteria: Invitae Variant Classification Sherloc (09022015). Collection method: clinical testing. Allele origin: germline.
Comment: This sequence change replaces cysteine with arginine at codon 65 of the XRCC2 protein (p.Cys65Arg). The cysteine residue is highly conserved and there is a large physicochemical difference between cysteine and arginine. This variant is not present in population databases (ExAC no frequency). This variant has not been reported in the literature in individuals affected with XRCC2-related conditions. Algorithms developed to predict the effect of missense changes on protein structure and function are either unavailable or do not agree on the potential impact of this missense change (SIFT: "Tolerated"; PolyPhen-2: "Probably Damaging"; Align-GVGD: "Class C0"). In summary, the available evidence is currently insufficient to determine the role of this variant in disease. Therefore, it has been classified as a Variant of Uncertain Significance.